The following is an entry in ClinVar:

NM_000465.4(BARD1):c.1961del (p.Pro654fs)

Gene: BARD1 (BRCA1 associated RING domain 1; minus strand). Cytogenetic location: 2q35.
Variant type: Deletion.
Coding change: c.1961del on transcript NM_000465.4 (MANE Select); coding-DNA position 1961, one base deleted (C; older notation c.1961delC).
Protein change: p.Pro654fs; shifts the reading frame from proline 654.
Molecular consequence: frameshift variant. On other transcripts: non-coding transcript variant (3).
Genome position (GRCh38, 1-based): chr2:214,730,451, G deleted on the plus strand (C on the coding strand, the reverse complement: BARD1 is on the minus strand); the first of 2 consecutive G bases (chr2:214,730,451-214,730,452); deleting either gives the same sequence. VCF-style (leftmost placement, unchanged base first): chr2-214730450-AG-A. GRCh37 (hg19) VCF-style: chr2-215595174-AG-A.
Other names: c.1904del, p.Pro635fs (NM_001282543.2); c.608del, p.Pro203fs (NM_001282545.2); c.551del, p.Pro184fs (NM_001282548.2); c.422del, p.Pro141fs (NM_001282549.2); short protein forms P635fs, P203fs, P141fs, P184fs, P654fs.
Identifiers: ClinVar variation 2585709 (VCV002585709.2), dbSNP rs2469277145, ClinGen allele CA2582342056.

ClinVar aggregate classification (germline): Likely pathogenic (1 of 4 stars; one submission).

Conditions:
Hereditary cancer-predisposing syndrome. Also called: Hereditary neoplastic syndrome; Tumor predisposition; Hereditary Cancer Syndrome; Neoplastic Syndromes, Hereditary. Identifiers: Orphanet 140162, MedGen C0027672, MeSH D009386, MONDO:0015356.

Submission:

Ambry Genetics
Classification: Likely pathogenic for Hereditary cancer-predisposing syndrome. Last evaluated: 2023-08-31. Review status: criteria provided, single submitter. Criteria: Ambry Variant Classification Scheme 2023. Collection method: clinical testing. Allele origin: germline.
Comment: The c.1961delC variant, located in coding exon 10 of the BARD1 gene, results from a deletion of one nucleotide at nucleotide position 1961, causing a translational frameshift with a predicted alternate stop codon (p.P654Lfs*60). This alteration occurs at the 3' terminus of the BARD1 gene, is not expected to trigger nonsense-mediated mRNA decay, and only impacts the last 124 amino acids of the protein. However, premature stop codons are typically deleterious in nature and the impacted region is critical for protein function (Ambry internal data). This variant is considered to be rare based on population cohorts in the Genome Aggregation Database (gnomAD). Based on the majority of available evidence to date, this variant is likely to be pathogenic.